The following is an entry in ClinVar:

ClinVar aggregate classification (germline): Likely benign. Review status: reviewed by expert panel (3 of 4 stars). 8 submissions from 8 submitters: Likely benign (1). 7 of the submissions do not count toward it. Last evaluated 2023-08-17.

Conditions:
CDH1-related diffuse gastric and lobular breast cancer syndrome. Also called: CDH1-related diffuse gastric and lobular breast cancer. Identifiers: MedGen CN311521, MONDO:0100488.
Hereditary cancer-predisposing syndrome. Also called: Hereditary neoplastic syndrome; Hereditary Cancer Syndrome; Neoplastic Syndromes, Hereditary; Tumor predisposition. Identifiers: Orphanet 140162, MedGen C0027672, MeSH D009386, MONDO:0015356.
Familial cancer of breast. Also called: hereditary breast carcinoma; Hereditary breast cancer; BREAST CANCER, FAMILIAL. Identifiers: Orphanet 227535, MedGen C0346153, MONDO:0016419, OMIM 114480. Disease mechanism: loss of function.
Hereditary diffuse gastric adenocarcinoma (HDGC). Also called: DIFFUSE GASTRIC AND LOBULAR BREAST CANCER SYNDROME. Identifiers: Orphanet 26106, MedGen C1708349, MONDO:0007648, OMIM 137215.

Allele frequency attached by ClinVar (database versions not stated): TOPMed below 0.00001; gnomAD 0.00001; gnomAD exomes 0.00001.
gnomAD v4.1: 16 of 1,614,034 alleles (0.00099%); highest among the groups gnomAD compares: Non-Finnish European, 0.00085%; no homozygotes.

Submissions (8):

Clingen Gastric Cancer Variant Curation Expert Panel
Classification: Likely benign for CDH1-related diffuse gastric and lobular breast cancer syndrome. Last evaluated: 2023-08-17. Review status: reviewed by expert panel. Criteria: ClinGen CDH1 ACMG Specifications V3.1. Collection method: curation. Allele origin: germline. Inheritance: Autosomal dominant inheritance.
Comment: The c.731A>G (p.Asp244Gly) variant results in a non-conservative amino acid substitution in the Cadherin-1 domain. This variant has a frequency of 6.57x10-6 (1 in 152,170 alleles) in gnomAD (PM2_supporting) and has been reported in one family meeting IGCLC criteria for HDGC (PMID: 10319582). However, this variant has been observed in more than 30 families without DGC, LBC or SRC tumours and whose families do not suggest HDGC (BS2; unpublished). Functional studies of the p.Asp244Gly variant suggest that this variant may affect the subcellular localization of E-cadherin and regulation of cell adhesion (PMID: 27582386, 28301459). In summary, this variant is classified as likely benign based on ACMG/AMP criteria applied as specified by the CDH1 Variant Curation Expert Panel: BS2, PM2_supporting.

Labcorp Genetics (formerly Invitae), Labcorp
Classification: Likely benign for Hereditary diffuse gastric adenocarcinoma. Last evaluated: 2025-12-23. Review status: criteria provided, single submitter. Criteria: Invitae Variant Classification Sherloc (09022015). Collection method: clinical testing. Allele origin: germline. Not counted in ClinVar's aggregate classification.

Women's Health and Genetics/Laboratory Corporation of America, LabCorp
Classification: Uncertain significance. Last evaluated: 2025-10-01. Review status: criteria provided, single submitter. Criteria: LabCorp Variant Classification Summary - May 2015. Collection method: clinical testing. Allele origin: germline. Not counted in ClinVar's aggregate classification.
Comment: Variant summary: CDH1 c.731A>G (p.Asp244Gly) results in a non-conservative amino acid change in the encoded protein sequence. Algorithms developed to predict the effect of missense changes on protein structure and function are either unavailable or do not agree on the potential impact of this missense change. The variant was absent in 251456 control chromosomes. The available data on variant occurrences in the general population are insufficient to allow any conclusion about variant significance. c.731A>G has been observed in at least one individual affected with Gastric Cancer (Yoon_1999). These report(s) do not provide unequivocal conclusions about association of the variant with Breast Cancer. To our knowledge, no experimental evidence demonstrating an impact on protein function has been reported. The following publications have been ascertained in the context of this evaluation (PMID: 30745422, 10319582). ClinVar contains an entry for this variant (Variation ID: 420005). Based on the evidence outlined above, the variant was classified as uncertain significance.

Color Diagnostics, LLC DBA Color Health
Classification: Likely benign for Hereditary cancer-predisposing syndrome. Last evaluated: 2024-10-15. Review status: criteria provided, single submitter. Criteria: ACMG Guidelines, 2015. Collection method: clinical testing. Allele origin: germline. Not counted in ClinVar's aggregate classification.

Baylor Genetics
Classification: Uncertain significance for Familial cancer of breast. Last evaluated: 2023-09-05. Review status: criteria provided, single submitter. Criteria: ACMG Guidelines, 2015. Collection method: clinical testing. Allele origin: unknown. Not counted in ClinVar's aggregate classification.

Ambry Genetics
Classification: Likely benign for Hereditary cancer-predisposing syndrome. Last evaluated: 2023-06-15. Review status: criteria provided, single submitter. Criteria: Ambry Variant Classification Scheme 2023. Collection method: clinical testing. Allele origin: germline. Not counted in ClinVar's aggregate classification.

Quest Diagnostics Nichols Institute San Juan Capistrano
Classification: Likely pathogenic. Last evaluated: 2019-09-20. Review status: criteria provided, single submitter. Criteria: Quest Diagnostics criteria. Collection method: clinical testing. Allele origin: unknown. Not counted in ClinVar's aggregate classification.
Comment: The frequency of this variant in the general population, 0.0000066 (1/152170 chromosomes), is uninformative in assessment of its pathogenicity. In the published literature, the variant has been reported in an individual with gastric cancer (PMIDs: 10319582 (1999)). Functional studies state that the variant results in loss of cytoplasmic membrane localization (PMID: 28301459 (2017)), as well as inhibits basic E-cadherin adhesion function (PMID: 27582386 (2016)), and is considered destabilizing (PMID: 22470475 (2012)). Analysis of this variant using bioinformatics tools for the prediction of the effect of amino acid changes on protein structure and function yielded predictions that this variant is damaging. Based on the available information, we are unable to determine the clinical significance of this variant.

GeneDx
Classification: Uncertain significance. Last evaluated: 2018-09-25. Review status: criteria provided, single submitter. Criteria: GeneDx Variant Classification (06012015). Collection method: clinical testing. Allele origin: germline. Affected: yes. Not counted in ClinVar's aggregate classification.
Comment: This variant is denoted CDH1 c.731A>G at the cDNA level, p.Asp244Gly (D244G) at the protein level, and results in the change of an Aspartic Acid to a Glycine (GAT>GGT). This variant was observed in at least one individual with a personal and family history of gastric cancer (Yoon 1999). Functional studies suggest that this variant may result in decreased adhesion, increased migration, and loss of E-cadherin cytoplasmic membrane localization compared to wild type (Petrova 2016, Ghoumid 2017). CDH1 Asp244Gly was not observed in large population cohorts (Lek 2016). This variant is located in the Cadherin 1 domain (Brooks-Wilson 2004, Figueiredo 2013, UniProt). In silico analysis, which includes protein predictors and evolutionary conservation, supports a deleterious effect. Based on currently available evidence, it is unclear whether CDH1 Asp244Gly is a pathogenic or benign variant. We consider it to be a variant of uncertain significance.

Literature cited by the submitters: PubMed 10319582 (cited by 3 submitters); PubMed 30745422 (cited by Women's Health and Genetics/Laboratory Corporation of America, LabCorp); PubMed 27582386 (cited by Ambry Genetics and Quest Diagnostics Nichols Institute San Juan Capistrano); PubMed 26182300 (cited by Quest Diagnostics Nichols Institute San Juan Capistrano); PubMed 22470475 (cited by Quest Diagnostics Nichols Institute San Juan Capistrano); PubMed 22225527 (cited by Quest Diagnostics Nichols Institute San Juan Capistrano); PubMed 28301459 (cited by Quest Diagnostics Nichols Institute San Juan Capistrano).

NM_004360.5(CDH1):c.731A>G (p.Asp244Gly)

Gene: CDH1 (cadherin 1; plus strand). Cytogenetic location: 16q22.1.
Variant type: single nucleotide variant.
Coding change: c.731A>G on transcript NM_004360.5 (MANE Select); coding-DNA position 731, A replaced by G.
Protein change: p.Asp244Gly; replaces aspartic acid 244 with glycine.
Molecular consequence: missense variant. On other transcripts: 5 prime UTR variant (2).
Genome position (GRCh38, 1-based): chr16:68,810,240, A>G. VCF-style: chr16-68810240-A-G. GRCh37 (hg19) VCF-style: chr16-68844143-A-G.
Other names: NM_004360.5(CDH1):c.731A>G; p.Asp244Gly; c.731A>G (LRG_301t1); c.731A>G, p.Asp244Gly (NM_001317184.2); c.-885A>G (NM_001317185.2); c.-1089A>G (NM_001317186.2); short protein forms D244G.
Identifiers: ClinVar variation 420005 (VCV000420005.26), dbSNP rs1064794231, ClinGen allele CA16620242.